The following is an entry in ClinVar:

ClinVar aggregate classification (germline): Conflicting classifications of pathogenicity. Review status: criteria provided, conflicting classifications (1 of 4 stars). 3 submissions from 3 submitters: Uncertain significance (2); Likely benign (1). Last evaluated 2025-06-29.

Conditions:
Hereditary cancer-predisposing syndrome. Also called: Neoplastic Syndromes, Hereditary; Hereditary Cancer Syndrome; Hereditary neoplastic syndrome; Tumor predisposition. Identifiers: Orphanet 140162, MedGen C0027672, MeSH D009386, MONDO:0015356.
Hereditary breast ovarian cancer syndrome. Also called: Hereditary breast and ovarian cancer syndrome (HBOC); Hereditary breast and ovarian cancer syndrome; Breast and ovarian cancer; BRCA1- and BRCA2-Associated Hereditary Breast and Ovarian Cancer; Hereditary breast and ovarian cancer; Hereditary breast and/or ovarian cancer syndrome. Identifiers: Orphanet 145, MedGen C0677776, MeSH D061325, MONDO:0003582. Disease mechanism: loss of function.

Allele frequency attached by ClinVar (database versions not stated): gnomAD exomes below 0.00001 and 0.00001.
gnomAD v4.1: 2 of 1,614,142 alleles (0.00012%); highest among the groups gnomAD compares: East Asian, 0.0022%; no homozygotes.

Submissions (3):

Labcorp Genetics (formerly Invitae), Labcorp
Classification: Uncertain significance for Hereditary breast ovarian cancer syndrome. Last evaluated: 2025-06-29. Review status: criteria provided, single submitter. Criteria: Invitae Variant Classification Sherloc (09022015). Collection method: clinical testing. Allele origin: germline.
Comment: This sequence change replaces isoleucine, which is neutral and non-polar, with valine, which is neutral and non-polar, at codon 1170 of the BRCA1 protein (p.Ile1170Val). This variant is present in population databases (no rsID available, gnomAD 0.006%). This variant has not been reported in the literature in individuals affected with BRCA1-related conditions. ClinVar contains an entry for this variant (Variation ID: 479203). Invitae Evidence Modeling of protein sequence and biophysical properties (such as structural, functional, and spatial information, amino acid conservation, physicochemical variation, residue mobility, and thermodynamic stability) indicates that this missense variant is not expected to disrupt BRCA1 protein function with a negative predictive value of 80%. In summary, the available evidence is currently insufficient to determine the role of this variant in disease. Therefore, it has been classified as a Variant of Uncertain Significance.

Ambry Genetics
Classification: Uncertain significance for Hereditary cancer-predisposing syndrome. Last evaluated: 2024-11-02. Review status: criteria provided, single submitter. Criteria: Ambry Variant Classification Scheme 2023. Collection method: clinical testing. Allele origin: germline.
Comment: The p.I1170V variant (also known as c.3508A>G), located in coding exon 9 of the BRCA1 gene, results from an A to G substitution at nucleotide position 3508. The isoleucine at codon 1170 is replaced by valine, an amino acid with highly similar properties. This amino acid position is not well conserved in available vertebrate species. In addition, the in silico prediction for this alteration is inconclusive. Since supporting evidence is limited at this time, the clinical significance of this alteration remains unclear.

University of Washington Department of Laboratory Medicine, University of Washington
Classification: Likely benign for Hereditary cancer-predisposing syndrome. Last evaluated: 2023-03-23. Review status: criteria provided, single submitter. Criteria: Dines et al. (Genet Med. 2020). Collection method: curation. Allele origin: germline.
Comment: Missense variant in a coldspot region where missense variants are very unlikely to be pathogenic (PMID:31911673).

BRCA1 coldspot (exon 11 using historical exon numbering). Reclassification based on statistical prior probability

NM_007294.4(BRCA1):c.3508A>G (p.Ile1170Val)

Genes: BRCA1 (BRCA1 DNA repair associated; minus strand), LOC126862571 (BRD4-independent group 4 enhancer GRCh37_chr17:41243136-41244335; plus strand). Cytogenetic location: 17q21.31.
Variant type: single nucleotide variant.
Coding change: c.3508A>G on transcript NM_007294.4 (MANE Select); coding-DNA position 3508, A replaced by G.
Protein change: p.Ile1170Val; replaces isoleucine 1170 with valine.
Molecular consequence: missense variant. On other transcripts: intron variant (135).
Genome position (GRCh38, 1-based): chr17:43,092,023, T>C on the plus strand (A>G on the coding strand, the complement: BRCA1 is on the minus strand). VCF-style: chr17-43092023-T-C. GRCh37 (hg19) VCF-style: chr17-41244040-T-C.
Other names: c.452-991A>G (NM_001408509.1, NM_001408508.1); c.3385A>G, p.Ile1129Val (NM_001407665.1, NM_001407666.1, NM_001407667.1 and 19 more transcripts); c.575-991A>G (NM_001408491.1, NM_001408493.1, NM_001408490.1); c.461-991A>G (NM_001408506.1, NM_001408507.1); c.578-991A>G (NM_001408480.1, NM_001408481.1, NM_001408492.1 and 9 more transcripts); c.779-991A>G (NM_001408408.1); c.3295A>G, p.Ile1099Val (NM_001407571.1, NM_001407853.1, NM_001407894.1 and 9 more transcripts); c.3508A>G, p.Ile1170Val (NM_001407581.1, NM_001407582.1, NM_001407583.1 and 30 more transcripts); and 41 more; short protein forms I1170V, I1123V, I1058V, I1082V, I1128V, I1143V, I1042V, I1059V.
Identifiers: ClinVar variation 479203 (VCV000479203.14), dbSNP rs273899708, ClinGen allele CA10594954.
Genomic context (GRCh38, chr17:43,092,023, plus strand): 5'-GACTCCTGCTAAGCTCTCCTTTCTGGACGCTTTTGCTAAAAACAGCAGAACTTTCCTTAA[T>C]GTCATTTTCAGCAAAACTAGTATCTTCCTTTATTTCACCATCATCTAACAGGTCATCAGG-3'
Protein context (NP_009225.1, residues 1160-1180): KEDTSFAEND[Ile1170Val]KESSAVFSKS